The following is an entry in ClinVar:

NM_153460.4(IL17RC):c.854C>G (p.Thr285Arg)

Gene: IL17RC (interleukin 17 receptor C; plus strand). Cytogenetic location: 3p25.3.
Variant type: single nucleotide variant.
Coding change: c.854C>G on transcript NM_153460.4 (MANE Select); coding-DNA position 854, C replaced by G.
Protein change: p.Thr285Arg; replaces threonine 285 with arginine.
Molecular consequence: missense variant. On other transcripts: non-coding transcript variant (1).
Genome position (GRCh38, 1-based): chr3:9,928,197, C>G. VCF-style: chr3-9928197-C-G. GRCh37 (hg19) VCF-style: chr3-9969881-C-G.
Other names: c.854C>G, p.Thr285Arg (NM_001203263.2, NM_001203264.2); c.809C>G, p.Thr270Arg (NM_001203265.2, NM_001367280.1, NM_001410711.1 and 1 more transcripts); c.815C>G, p.Thr272Arg (NM_001367278.1); c.734C>G, p.Thr245Arg (NM_001367279.1); c.1067C>G, p.Thr356Arg (NM_153461.4); short protein forms T245R, T270R, T272R, T285R, T356R.
Identifiers: ClinVar variation 3627756 (VCV003627756.2).

ClinVar aggregate classification (germline): Uncertain significance (1 of 4 stars; one submission).

Conditions:
Candidiasis, familial, 9 (CANDF9). Identifiers: Orphanet 1334, MedGen C4225324, MONDO:0014642, OMIM 616445.

gnomAD v4.1: 2 of 1,614,144 alleles (0.00012%); highest among the groups gnomAD compares: African/African-American, 0.0027%; no homozygotes.

Submission:

Labcorp Genetics (formerly Invitae), Labcorp
Classification: Uncertain significance for Candidiasis, familial, 9. Last evaluated: 2024-06-25. Review status: criteria provided, single submitter. Criteria: Invitae Variant Classification Sherloc (09022015). Collection method: clinical testing. Allele origin: germline.
Comment: This sequence change replaces threonine, which is neutral and polar, with arginine, which is basic and polar, at codon 356 of the IL17RC protein (p.Thr356Arg). This variant is not present in population databases (gnomAD no frequency). This variant has not been reported in the literature in individuals affected with IL17RC-related conditions. An algorithm developed to predict the effect of missense changes on protein structure and function (PolyPhen-2) suggests that this variant is likely to be tolerated. In summary, the available evidence is currently insufficient to determine the role of this variant in disease. Therefore, it has been classified as a Variant of Uncertain Significance.